The following is an entry in ClinVar:

ClinVar aggregate classification (germline): Pathogenic. Review status: criteria provided, single submitter (1 of 4 stars). 2 submissions from 2 submitters: Pathogenic (1). 1 of the submissions does not count toward it. Last evaluated 2025-04-16.

Conditions:
IFT140-related disorder. Also called: IFT140-related condition.
Saldino-Mainzer syndrome (SRTD9). Also called: CONORENAL SYNDROME; Renal dysplasia, retinal pigmentary dystrophy, cerebellar ataxia and skeletal dysplasia; SHORT-RIB THORACIC DYSPLASIA 9 WITHOUT POLYDACTYLY; short-rib thoracic dysplasia 9 with or without polydactyly. Identifiers: Orphanet 140969, MedGen C1849437, MONDO:0009964, OMIM 266920.

Submissions (2):

Labcorp Genetics (formerly Invitae), Labcorp
Classification: Pathogenic for Saldino-Mainzer syndrome. Last evaluated: 2025-04-16. Review status: criteria provided, single submitter. Criteria: Invitae Variant Classification Sherloc (09022015). Collection method: clinical testing. Allele origin: germline.
Comment: This sequence change creates a premature translational stop signal (p.Ser1165Alafs*10) in the IFT140 gene. It is expected to result in an absent or disrupted protein product. Loss-of-function variants in IFT140 are known to be pathogenic (PMID: 22503633, 23418020, 24009529, 26216056). This variant is not present in population databases (gnomAD no frequency). This variant has not been reported in the literature in individuals affected with IFT140-related conditions. ClinVar contains an entry for this variant (Variation ID: 3345894). For these reasons, this variant has been classified as Pathogenic.

PreventionGenetics, part of Exact Sciences
Classification: Pathogenic for IFT140-related condition. Last evaluated: 2024-04-17. Review status: no assertion criteria provided. Collection method: clinical testing. Allele origin: germline. Not counted in ClinVar's aggregate classification.
Comment: The IFT140 c.3493delA variant is predicted to result in a frameshift and premature protein termination (p.Ser1165Alafs*10). To our knowledge, this variant has not been reported in the literature or in a large population database, indicating this variant is rare. Frameshift variants in IFT140 are expected to be pathogenic. This variant is interpreted as pathogenic for both autosomal dominant and autosomal recessive IFT140-related disorders.

Literature cited by the submitters: PubMed 22503633 (cited by Labcorp Genetics (formerly Invitae), Labcorp); PubMed 23418020 (cited by Labcorp Genetics (formerly Invitae), Labcorp); PubMed 24009529 (cited by Labcorp Genetics (formerly Invitae), Labcorp); PubMed 26216056 (cited by Labcorp Genetics (formerly Invitae), Labcorp).

NM_014714.4(IFT140):c.3493del (p.Ser1165fs)

Gene: IFT140 (intraflagellar transport 140; minus strand). Cytogenetic location: 16p13.3.
Variant type: Deletion.
Coding change: c.3493del on transcript NM_014714.4 (MANE Select); coding-DNA position 3493, one base deleted (A; older notation c.3493delA).
Protein change: p.Ser1165fs; shifts the reading frame from serine 1165.
Molecular consequence: frameshift variant.
Genome position (GRCh38, 1-based): chr16:1,520,769, T deleted on the plus strand (A on the coding strand, the reverse complement: IFT140 is on the minus strand). VCF-style (leftmost placement, unchanged base first): chr16-1520768-CT-C. GRCh37 (hg19) VCF-style: chr16-1570769-CT-C.
Other names: short protein forms S1165fs.
Identifiers: ClinVar variation 3345894 (VCV003345894.2).
Genomic context (GRCh38, chr16:1,520,768, plus strand): 5'-TCAGGCAGGTCCGAGGAGTCCTTGGCCACGGTCATCTTTTCCGCCATCTCCTCGGTGATG[CT>C]CATGTTCTGCCCCAGGCACAGCTGCAGGGCTTCCTGATACTGCAAAGGTGCAGAAATGGG-3'